The following is an entry in ClinVar:

NM_001851.6(COL9A1):c.68C>T (p.Ala23Val)

Gene: COL9A1 (collagen type IX alpha 1 chain; minus strand). Cytogenetic location: 6q13.
Variant type: single nucleotide variant.
Coding change: c.68C>T on transcript NM_001851.6 (MANE Select); coding-DNA position 68, C replaced by T.
Protein change: p.Ala23Val; replaces alanine 23 with valine.
Molecular consequence: missense variant.
Genome position (GRCh38, 1-based): chr6:70,302,021, G>A on the plus strand (C>T on the coding strand, the complement: COL9A1 is on the minus strand). VCF-style: chr6-70302021-G-A. GRCh37 (hg19) VCF-style: chr6-71011724-G-A.
Other names: c.68C>T, p.Ala23Val (NM_001377291.1); short protein forms A23V.
Identifiers: ClinVar variation 4845481 (VCV004845481.1).

ClinVar aggregate classification (germline): Uncertain significance (1 of 4 stars; one submission).

gnomAD v4.1: 3 of 1,611,424 alleles (0.00019%); highest among the groups gnomAD compares: East Asian, 0.0022%; no homozygotes.

Submission:

Greenwood Genetic Center Diagnostic Laboratories, Greenwood Genetic Center
Classification: Uncertain significance. Last evaluated: 2025-11-20. Review status: criteria provided, single submitter. Criteria: ACMG Guidelines, 2015. Collection method: clinical testing. Allele origin: germline. Affected: yes.
Comment: PM2, BP4